The following is an entry in ClinVar:

ClinVar aggregate classification (germline): Uncertain significance (1 of 4 stars; one submission).

Conditions:
Autosomal dominant epilepsy with auditory features. Identifiers: Orphanet 101046, MedGen C1838062, MONDO:0010898.

Allele frequency attached by ClinVar (database versions not stated): TOPMed below 0.00001; gnomAD exomes 0.00001; ExAC 0.00002.

Submission:

Labcorp Genetics (formerly Invitae), Labcorp
Classification: Uncertain significance for Autosomal dominant epilepsy with auditory features. Last evaluated: 2025-06-22. Review status: criteria provided, single submitter. Criteria: Invitae Variant Classification Sherloc (09022015). Collection method: clinical testing. Allele origin: germline.
Comment: This sequence change replaces alanine, which is neutral and non-polar, with valine, which is neutral and non-polar, at codon 28 of the LGI1 protein (p.Ala28Val). This variant is present in population databases (rs760266576, gnomAD 0.006%). This variant has not been reported in the literature in individuals affected with LGI1-related conditions. ClinVar contains an entry for this variant (Variation ID: 2072104). Invitae Evidence Modeling of protein sequence and biophysical properties (such as structural, functional, and spatial information, amino acid conservation, physicochemical variation, residue mobility, and thermodynamic stability) indicates that this missense variant is not expected to disrupt LGI1 protein function with a negative predictive value of 80%. In summary, the available evidence is currently insufficient to determine the role of this variant in disease. Therefore, it has been classified as a Variant of Uncertain Significance.

NM_005097.4(LGI1):c.83C>T (p.Ala28Val)

Gene: LGI1 (leucine rich glioma inactivated 1; plus strand). Cytogenetic location: 10q23.33.
Variant type: single nucleotide variant.
Coding change: c.83C>T on transcript NM_005097.4 (MANE Select); coding-DNA position 83, C replaced by T.
Protein change: p.Ala28Val; replaces alanine 28 with valine.
Molecular consequence: missense variant. On other transcripts: non-coding transcript variant (1).
Genome position (GRCh38, 1-based): chr10:93,758,227, C>T. VCF-style: chr10-93758227-C-T. GRCh37 (hg19) VCF-style: chr10-95517984-C-T.
Other names: c.83C>T, p.Ala28Val (NM_001308275.2, NM_001308276.2); short protein forms A28V.
Identifiers: ClinVar variation 2072104 (VCV002072104.4), dbSNP rs760266576, ClinGen allele CA5610998.